The following is an entry in ClinVar:

ClinVar aggregate classification (germline): Uncertain significance (1 of 4 stars; one submission).

gnomAD v4.1: 9 of 1,614,130 alleles (0.00056%); highest among the groups gnomAD compares: Non-Finnish European, 0.00076%; no homozygotes.

Submission:

Labcorp Genetics (formerly Invitae), Labcorp
Classification: Uncertain significance. Last evaluated: 2023-01-30. Review status: criteria provided, single submitter. Criteria: Invitae Variant Classification Sherloc (09022015). Collection method: clinical testing. Allele origin: germline.
Comment: This variant has not been reported in the literature in individuals affected with C3-related conditions. This variant is present in population databases (no rsID available, gnomAD 0.0009%). This sequence change replaces valine, which is neutral and non-polar, with methionine, which is neutral and non-polar, at codon 376 of the C3 protein (p.Val376Met). ClinVar contains an entry for this variant (Variation ID: 1346407). In summary, the available evidence is currently insufficient to determine the role of this variant in disease. Therefore, it has been classified as a Variant of Uncertain Significance. Algorithms developed to predict the effect of sequence changes on RNA splicing suggest that this variant may create or strengthen a splice site. Advanced modeling of protein sequence and biophysical properties (such as structural, functional, and spatial information, amino acid conservation, physicochemical variation, residue mobility, and thermodynamic stability) performed at Invitae indicates that this missense variant is expected to disrupt C3 protein function.

NM_000064.4(C3):c.1126G>A (p.Val376Met)

Gene: C3 (complement C3; minus strand). Cytogenetic location: 19p13.3.
Variant type: single nucleotide variant.
Coding change: c.1126G>A on transcript NM_000064.4 (MANE Select); coding-DNA position 1126, G replaced by A.
Protein change: p.Val376Met; replaces valine 376 with methionine.
Molecular consequence: missense variant.
Genome position (GRCh38, 1-based): chr19:6,712,400, C>T on the plus strand (G>A on the coding strand, the complement: C3 is on the minus strand). VCF-style: chr19-6712400-C-T. GRCh37 (hg19) VCF-style: chr19-6712411-C-T.
Other names: short protein forms V376M.
Identifiers: ClinVar variation 1346407 (VCV001346407.8), dbSNP rs1452918178, ClinGen allele CA403641563.